The following is an entry in ClinVar:

NM_001282531.3(ADNP):c.3185T>C (p.Ile1062Thr)

Gene: ADNP (activity dependent neuroprotector homeobox; minus strand). Cytogenetic location: 20q13.13.
Variant type: single nucleotide variant.
Coding change: c.3185T>C on transcript NM_001282531.3 (MANE Select); coding-DNA position 3185, T replaced by C.
Protein change: p.Ile1062Thr; replaces isoleucine 1062 with threonine.
Molecular consequence: missense variant.
Genome position (GRCh38, 1-based): chr20:50,891,529, A>G on the plus strand (T>C on the coding strand, the complement: ADNP is on the minus strand). VCF-style: chr20-50891529-A-G. GRCh37 (hg19) VCF-style: chr20-49508066-A-G.
Other names: c.3185T>C, p.Ile1062Thr (NM_181442.4, NM_001282532.2, NM_001347511.2 and 1 more transcripts); short protein forms I1062T.
Identifiers: ClinVar variation 713739 (VCV000713739.13), dbSNP rs745861253, ClinGen allele CA9908433.

ClinVar aggregate classification (germline): Benign/Likely benign. Review status: criteria provided, multiple submitters, no conflicts (2 of 4 stars). 4 submissions from 4 submitters: Benign (2); Likely benign (2). Last evaluated 2025-03-09.

Conditions:
Inborn genetic diseases. Identifiers: MedGen C0950123, MeSH D030342.
ADNP-related multiple congenital anomalies - intellectual disability - autism spectrum disorder. Also called: Helsmoortel-Van der Aa Syndrome; ADNP-Related Helsmoortel-Van der Aa Syndrome. Identifiers: Orphanet 404448, MedGen C4014538, MONDO:0014379, OMIM 615873. Disease mechanism: loss of function.

Allele frequency attached by ClinVar (database versions not stated): ExAC 0.00004; gnomAD exomes 0.00006 and 0.00007; TOPMed 0.00009; gnomAD 0.00011.
gnomAD v4.1: 114 of 1,611,920 alleles (0.0071%); highest among the groups gnomAD compares: Admixed American, 0.02%; no homozygotes.

Submissions (4):

Labcorp Genetics (formerly Invitae), Labcorp
Classification: Benign. Last evaluated: 2025-03-09. Review status: criteria provided, single submitter. Criteria: Invitae Variant Classification Sherloc (09022015). Collection method: clinical testing. Allele origin: germline.

GeneDx
Classification: Likely benign. Last evaluated: 2023-10-02. Review status: criteria provided, single submitter. Criteria: GeneDx Variant Classification Process June 2021. Collection method: clinical testing. Allele origin: germline. Affected: yes.
Comment: See Variant Classification Assertion Criteria.

Ambry Genetics
Classification: Likely benign for Inborn genetic diseases. Last evaluated: 2022-03-21. Review status: criteria provided, single submitter. Criteria: Ambry Variant Classification Scheme 2023. Collection method: clinical testing. Allele origin: germline.

Genome-Nilou Lab
Classification: Benign for ADNP-related multiple congenital anomalies - intellectual disability - autism spectrum disorder. Last evaluated: 2021-12-05. Review status: criteria provided, single submitter. Criteria: ACMG Guidelines, 2015. Collection method: clinical testing. Allele origin: germline. Affected: no.